The following is an entry in ClinVar:

NM_005629.4(SLC6A8):c.620G>A (p.Arg207Gln)

Gene: SLC6A8 (solute carrier family 6 member 8; plus strand). Cytogenetic location: Xq28.
Variant type: single nucleotide variant.
Coding change: c.620G>A on transcript NM_005629.4 (MANE Select); coding-DNA position 620, G replaced by A.
Protein change: p.Arg207Gln; replaces arginine 207 with glutamine.
Molecular consequence: missense variant.
Genome position (GRCh38, 1-based): chrX:153,691,529, G>A. VCF-style: chrX-153691529-G-A. GRCh37 (hg19) VCF-style: chrX-152956984-G-A.
Other names: c.620G>A, p.Arg207Gln (NM_001142805.2); c.275G>A, p.Arg92Gln (NM_001142806.1); short protein forms R207Q, R92Q.
Identifiers: ClinVar variation 1002907 (VCV001002907.9), dbSNP rs1175883803, ClinGen allele CA415079400.

ClinVar aggregate classification (germline): Uncertain significance. Review status: criteria provided, multiple submitters, no conflicts (2 of 4 stars). 2 submissions from 2 submitters: Uncertain significance (2). Last evaluated 2023-07-17.

Conditions:
Creatine transporter deficiency (CCDS1). Also called: Mental retardation , X-linked with seizures, short stature and midface hypoplasia; Mental retardation , X-linked, with creatine transport deficiency; X-linked creatine transporter deficiency; X-linked creatine deficiency syndrome; SLC6A8-Related Creatine Transporter Deficiency; CREATINE TRANSPORTER DEFECT. Identifiers: Orphanet 52503, MedGen C1845862, MONDO:0010305, OMIM 300352.

Allele frequency attached by ClinVar (database versions not stated): gnomAD exomes below 0.00001; TOPMed below 0.00001; gnomAD 0.00001.

Submissions (2):

Labcorp Genetics (formerly Invitae), Labcorp
Classification: Uncertain significance for Creatine transporter deficiency. Last evaluated: 2023-07-17. Review status: criteria provided, single submitter. Criteria: Invitae Variant Classification Sherloc (09022015). Collection method: clinical testing. Allele origin: germline.
Comment: In summary, the available evidence is currently insufficient to determine the role of this variant in disease. Therefore, it has been classified as a Variant of Uncertain Significance. Advanced modeling of protein sequence and biophysical properties (such as structural, functional, and spatial information, amino acid conservation, physicochemical variation, residue mobility, and thermodynamic stability) performed at Invitae indicates that this missense variant is not expected to disrupt SLC6A8 protein function. ClinVar contains an entry for this variant (Variation ID: 1002907). This variant has not been reported in the literature in individuals affected with SLC6A8-related conditions. This variant is not present in population databases (gnomAD no frequency). This sequence change replaces arginine, which is basic and polar, with glutamine, which is neutral and polar, at codon 207 of the SLC6A8 protein (p.Arg207Gln).

Blueprint Genetics
Classification: Uncertain significance. Last evaluated: 2022-11-23. Review status: criteria provided, single submitter. Criteria: ACMG Guidelines, 2015. Collection method: clinical testing. Allele origin: germline.